The following is an entry in ClinVar:

NM_006245.4(PPP2R5D):c.629T>C (p.Leu210Pro)

Gene: PPP2R5D (protein phosphatase 2 regulatory subunit B'delta; plus strand). Cytogenetic location: 6p21.1.
Variant type: single nucleotide variant.
Coding change: c.629T>C on transcript NM_006245.4 (MANE Select); coding-DNA position 629, T replaced by C.
Protein change: p.Leu210Pro; replaces leucine 210 with proline.
Molecular consequence: missense variant.
Genome position (GRCh38, 1-based): chr6:43,007,302, T>C. VCF-style: chr6-43007302-T-C. GRCh37 (hg19) VCF-style: chr6-42975040-T-C.
Other names: c.176T>C, p.Leu59Pro (NM_001270476.2); c.533T>C, p.Leu178Pro (NM_180976.3); c.311T>C, p.Leu104Pro (NM_180977.3); short protein forms L104P, L178P, L210P, L59P.
Identifiers: ClinVar variation 1717916 (VCV001717916.5), dbSNP rs2532475512, ClinGen allele CA364185627.

ClinVar aggregate classification (germline): Uncertain significance (1 of 4 stars; one submission).

Submission:

Labcorp Genetics (formerly Invitae), Labcorp
Classification: Uncertain significance. Last evaluated: 2022-08-24. Review status: criteria provided, single submitter. Criteria: Invitae Variant Classification Sherloc (09022015). Collection method: clinical testing. Allele origin: germline.
Comment: In summary, the available evidence is currently insufficient to determine the role of this variant in disease. Therefore, it has been classified as a Variant of Uncertain Significance. This sequence change replaces leucine, which is neutral and non-polar, with proline, which is neutral and non-polar, at codon 210 of the PPP2R5D protein (p.Leu210Pro). This variant is not present in population databases (gnomAD no frequency). This variant has not been reported in the literature in individuals affected with PPP2R5D-related conditions. Algorithms developed to predict the effect of missense changes on protein structure and function (SIFT, PolyPhen-2, Align-GVGD) all suggest that this variant is likely to be disruptive.